The following is an entry in ClinVar:

ClinVar aggregate classification (germline): Likely pathogenic (1 of 4 stars; one submission).

Conditions:
Intellectual developmental disorder with speech delay, autism, and dysmorphic facies. Identifiers: MedGen C5231456, MONDO:0032864, OMIM 618672.

Submission:

Juno Genomics, Hangzhou Juno Genomics, Inc
Classification: Likely pathogenic for Intellectual developmental disorder with speech delay, autism, and dysmorphic facies. Review status: criteria provided, single submitter. Criteria: ACMG Guidelines, 2015. Collection method: clinical testing. Allele origin: germline. Affected: yes.
Comment: Absent from controls (or at extremely low frequency if recessive) in Genome Aggregation Database, Exome Sequencing Project, 1000 Genomes Project, or Exome Aggregation Consortium.;Null variant in a gene where loss of function (LOF) is a known mechanism of disease.

NM_014516.4(CNOT3):c.1149del (p.Ser384fs)

Gene: CNOT3 (CCR4-NOT transcription complex subunit 3; plus strand). Cytogenetic location: 19q13.42.
Variant type: Deletion.
Coding change: c.1149del on transcript NM_014516.4 (MANE Select); coding-DNA position 1149, one base deleted (C; older notation c.1149delC).
Protein change: p.Ser384fs; shifts the reading frame from serine 384.
Molecular consequence: frameshift variant.
Genome position (GRCh38, 1-based): chr19:54,148,402, C deleted; the last of 3 consecutive C bases (chr19:54,148,400-54,148,402); deleting any one gives the same sequence. VCF-style (leftmost placement, unchanged base first): chr19-54148399-GC-G. GRCh37 (hg19) VCF-style: chr19-54652134-GC-G.
Other names: short protein forms S384fs.
Identifiers: ClinVar variation 3382217 (VCV003382217.2).